The following is an entry in ClinVar:

NM_002227.4(JAK1):c.784T>A (p.Ser262Thr)

Gene: JAK1 (Janus kinase 1; minus strand). Cytogenetic location: 1p31.3.
Variant type: single nucleotide variant.
Coding change: c.784T>A on transcript NM_002227.4 (MANE Select); coding-DNA position 784, T replaced by A.
Protein change: p.Ser262Thr; replaces serine 262 with threonine.
Molecular consequence: missense variant.
Genome position (GRCh38, 1-based): chr1:64,867,072, A>T on the plus strand (T>A on the coding strand, the complement: JAK1 is on the minus strand). VCF-style: chr1-64867072-A-T. GRCh37 (hg19) VCF-style: chr1-65332755-A-T.
Other names: c.784T>A, p.Ser262Thr (NM_001320923.2, NM_001321852.2, NM_001321853.2 and 4 more transcripts); short protein forms S262T.
Identifiers: ClinVar variation 3607944 (VCV003607944.2).

ClinVar aggregate classification (germline): Uncertain significance (1 of 4 stars; one submission).

gnomAD v4.1: 2 of 1,614,228 alleles (0.00012%); highest among the groups gnomAD compares: East Asian, 0.0022%; no homozygotes.

Submission:

Labcorp Genetics (formerly Invitae), Labcorp
Classification: Uncertain significance. Last evaluated: 2025-06-10. Review status: criteria provided, single submitter. Criteria: Invitae Variant Classification Sherloc (09022015). Collection method: clinical testing. Allele origin: germline.
Comment: This sequence change replaces serine, which is neutral and polar, with threonine, which is neutral and polar, at codon 262 of the JAK1 protein (p.Ser262Thr). This variant is not present in population databases (gnomAD no frequency). This variant has not been reported in the literature in individuals affected with JAK1-related conditions. ClinVar contains an entry for this variant (Variation ID: 3607944). Invitae Evidence Modeling of protein sequence and biophysical properties (such as structural, functional, and spatial information, amino acid conservation, physicochemical variation, residue mobility, and thermodynamic stability) indicates that this missense variant is not expected to disrupt JAK1 protein function with a negative predictive value of 80%. In summary, the available evidence is currently insufficient to determine the role of this variant in disease. Therefore, it has been classified as a Variant of Uncertain Significance.